The following is an entry in ClinVar:

ClinVar aggregate classification (germline): Uncertain significance (1 of 4 stars; one submission).

Allele frequency attached by ClinVar (database versions not stated): TOPMed 0.00003.
gnomAD v4.1: 77 of 1,520,432 alleles (0.0051%); highest among the groups gnomAD compares: African/African-American, 0.022%; no homozygotes.

Submission:

Labcorp Genetics (formerly Invitae), Labcorp
Classification: Uncertain significance. Last evaluated: 2024-11-11. Review status: criteria provided, single submitter. Criteria: Invitae Variant Classification Sherloc (09022015). Collection method: clinical testing. Allele origin: germline.
Comment: This sequence change replaces alanine, which is neutral and non-polar, with serine, which is neutral and polar, at codon 587 of the COL18A1 protein (p.Ala587Ser). The frequency data for this variant in the population databases is considered unreliable, as metrics indicate poor data quality at this position in the gnomAD database. This variant has not been reported in the literature in individuals affected with COL18A1-related conditions. ClinVar contains an entry for this variant (Variation ID: 1024476). Experimental studies and prediction algorithms are not available or were not evaluated, and the functional significance of this variant is currently unknown. In summary, the available evidence is currently insufficient to determine the role of this variant in disease. Therefore, it has been classified as a Variant of Uncertain Significance.

NM_001379500.1(COL18A1):c.1759G>T (p.Ala587Ser)

Gene: COL18A1 (collagen type XVIII alpha 1 chain; plus strand). Cytogenetic location: 21q22.3.
Variant type: single nucleotide variant.
Coding change: c.1759G>T on transcript NM_001379500.1 (MANE Select); coding-DNA position 1759, G replaced by T.
Protein change: p.Ala587Ser; replaces alanine 587 with serine.
Molecular consequence: missense variant.
Genome position (GRCh38, 1-based): chr21:45,486,918, G>T. VCF-style: chr21-45486918-G-T. GRCh37 (hg19) VCF-style: chr21-46906832-G-T.
Other names: c.2299G>T, p.Ala767Ser (NM_030582.4); c.3004G>T, p.Ala1002Ser (NM_130444.3); short protein forms A1002S, A587S, A767S.
Identifiers: ClinVar variation 1024476 (VCV001024476.5), dbSNP rs560016001, ClinGen allele CA321918470.